The following is an entry in ClinVar:

ClinVar aggregate classification (germline): Uncertain significance (1 of 4 stars; one submission).

Conditions:
Acute myeloid leukemia (AML). Also called: Leukemia, acute myeloid, somatic; Leukemia, acute myelogenous, somatic; Acute myeloid leukemia, adult; AML adult; Acute non-lymphocytic leukemia; Acute granulocytic leukemia. Identifiers: Orphanet 519, MedGen C0023467, MeSH D015470, MONDO:0018874, OMIM 601626, HP:0004808. Disease mechanism: Constitutively activated FLT3.

Submission:

Labcorp Genetics (formerly Invitae), Labcorp
Classification: Uncertain significance for Acute myeloid leukemia. Last evaluated: 2021-06-08. Review status: criteria provided, single submitter. Criteria: Invitae Variant Classification Sherloc (09022015). Collection method: clinical testing. Allele origin: germline.
Comment: In summary, the available evidence is currently insufficient to determine the role of this variant in disease. Therefore, it has been classified as a Variant of Uncertain Significance. Algorithms developed to predict the effect of missense changes on protein structure and function are either unavailable or do not agree on the potential impact of this missense change (SIFT: "Deleterious"; PolyPhen-2: "Possibly Damaging"; Align-GVGD: "Class C0"). This variant has not been reported in the literature in individuals with CEBPA-related conditions. The frequency data for this variant in the population databases is considered unreliable, as metrics indicate insufficient coverage at this position in the ExAC database. This sequence change replaces proline with glutamine at codon 153 of the CEBPA protein (p.Pro153Gln). The proline residue is moderately conserved and there is a moderate physicochemical difference between proline and glutamine.

NM_004364.5(CEBPA):c.458C>A (p.Pro153Gln)

Gene: CEBPA (CCAAT enhancer binding protein alpha; minus strand). Cytogenetic location: 19q13.11.
Variant type: single nucleotide variant.
Coding change: c.458C>A on transcript NM_004364.5 (MANE Select); coding-DNA position 458, C replaced by A.
Protein change: p.Pro153Gln; replaces proline 153 with glutamine.
Molecular consequence: missense variant.
Genome position (GRCh38, 1-based): chr19:33,301,957, G>T on the plus strand (C>A on the coding strand, the complement: CEBPA is on the minus strand). VCF-style: chr19-33301957-G-T. GRCh37 (hg19) VCF-style: chr19-33792863-G-T.
Other names: c.101C>A, p.Pro34Gln (NM_001285829.2); c.563C>A, p.Pro188Gln (NM_001287424.2); c.416C>A, p.Pro139Gln (NM_001287435.2); short protein forms P34Q, P153Q, P188Q, P139Q.
Identifiers: ClinVar variation 1445238 (VCV001445238.8), dbSNP rs1967183728, ClinGen allele CA405274911.